The following is an entry in ClinVar:

ClinVar aggregate classification (germline): Uncertain significance. Review status: criteria provided, multiple submitters, no conflicts (2 of 4 stars). 3 submissions from 3 submitters: Uncertain significance (2). 1 of the submissions does not count toward it. Last evaluated 2025-03-16.

Conditions:
Duchenne muscular dystrophy (DMD). Also called: Duchenne Muscular Dystrophy (DMD); MUSCULAR DYSTROPHY, PSEUDOHYPERTROPHIC PROGRESSIVE, DUCHENNE TYPE. Identifiers: Orphanet 98896, MedGen C0013264, MONDO:0010679, OMIM 310200.
Dystrophin deficiency.
Becker muscular dystrophy (BMD). Also called: MUSCULAR DYSTROPHY, PSEUDOHYPERTROPHIC PROGRESSIVE, BECKER TYPE; Becker Muscular Dystrophy (BMD). Identifiers: Orphanet 98895, MedGen C0917713, MONDO:0010311, OMIM 300376.
Cardiomyopathy (CMYO). Also called: Cardiomyopathies. Identifiers: Orphanet 167848, MedGen C0878544, MONDO:0004994, HP:0001638. Inheritance: Various modes of inheritance.

gnomAD v4.1: 4 of 1,211,450 alleles (0.00033%); highest among the groups gnomAD compares: Non-Finnish European, 0.00034%; no homozygotes.

Submissions (3):

Labcorp Genetics (formerly Invitae), Labcorp
Classification: Uncertain significance for Duchenne muscular dystrophy. Last evaluated: 2025-03-16. Review status: criteria provided, single submitter. Criteria: Invitae Variant Classification Sherloc (09022015). Collection method: clinical testing. Allele origin: germline.
Comment: This sequence change replaces threonine, which is neutral and polar, with alanine, which is neutral and non-polar, at codon 547 of the DMD protein (p.Thr547Ala). This variant is not present in population databases (gnomAD no frequency). This variant has not been reported in the literature in individuals affected with DMD-related conditions. ClinVar contains an entry for this variant (Variation ID: 850389). Invitae Evidence Modeling of protein sequence and biophysical properties (such as structural, functional, and spatial information, amino acid conservation, physicochemical variation, residue mobility, and thermodynamic stability) indicates that this missense variant is not expected to disrupt DMD protein function with a negative predictive value of 95%. In summary, the available evidence is currently insufficient to determine the role of this variant in disease. Therefore, it has been classified as a Variant of Uncertain Significance.

GeneDx
Classification: Uncertain significance. Last evaluated: 2022-12-23. Review status: criteria provided, single submitter. Criteria: GeneDx Variant Classification Process June 2021. Collection method: clinical testing. Allele origin: germline. Affected: yes.
Comment: Not observed at significant frequency in large population cohorts (gnomAD); In silico analysis supports that this missense variant has a deleterious effect on protein structure/function; Missense variant in a gene in which most reported pathogenic variants are truncating/loss of function; Has not been previously published as pathogenic or benign to our knowledge

Natera, Inc.
Classification: Uncertain significance for Becker muscular dystrophy; Cardiomyopathy; Duchenne muscular dystrophy; Dystrophin deficiency. Last evaluated: 2020-11-10. Review status: no assertion criteria provided. Collection method: clinical testing. Allele origin: germline. Not counted in ClinVar's aggregate classification.

NM_004006.3(DMD):c.1639A>G (p.Thr547Ala)

Gene: DMD (dystrophin; minus strand). Cytogenetic location: Xp21.1.
Variant type: single nucleotide variant.
Coding change: c.1639A>G on transcript NM_004006.3 (MANE Select); coding-DNA position 1639, A replaced by G.
Protein change: p.Thr547Ala; replaces threonine 547 with alanine.
Molecular consequence: missense variant.
Genome position (GRCh38, 1-based): chrX:32,573,810, T>C on the plus strand (A>G on the coding strand, the complement: DMD is on the minus strand). VCF-style: chrX-32573810-T-C. GRCh37 (hg19) VCF-style: chrX-32591927-T-C.
Other names: c.1615A>G, p.Thr539Ala (NM_000109.4); c.1627A>G, p.Thr543Ala (NM_004009.3); c.1270A>G, p.Thr424Ala (NM_004010.3); short protein forms T543A, T547A, T424A, T539A.
Identifiers: ClinVar variation 850389 (VCV000850389.11), dbSNP rs2052707401, ClinGen allele CA412673456.